The following is an entry in ClinVar:

ClinVar aggregate classification (germline): Likely benign. Review status: criteria provided, multiple submitters, no conflicts (2 of 4 stars). 3 submissions from 3 submitters: Likely benign (3). Last evaluated 2025-03-12.

Conditions:
Pheochromocytoma/paraganglioma syndrome 4. Also called: CAROTID BODY TUMORS AND MULTIPLE EXTRAADRENAL PHEOCHROMOCYTOMAS; SDHB-Related Hereditary Paraganglioma-Pheochromocytoma Syndrome (Paragangliomas 4); SDHB-Related Hereditary Paraganglioma-Pheochromocytoma Syndrome; PARAGANGLIOMA, FAMILIAL MALIGNANT; PARAGANGLIOMAS, HEREDITARY EXTRAADRENAL; PHEOCHROMOCYTOMA, FAMILIAL EXTRAADRENAL. Identifiers: Orphanet 29072, MedGen C1861848, MONDO:0007273, OMIM 115310.
Hereditary pheochromocytoma and paraganglioma. Also called: Hereditary pheochromocytoma-paraganglioma; Hereditary Paraganglioma-Pheochromocytoma Syndromes; Hereditary paragangliomas and pheochromocytomas. Identifiers: Orphanet 29072, MedGen C4274332, MONDO:0017366.
Gastrointestinal stromal tumor. Also called: Gastrointestinal stromal tumor, somatic; Gastrointestinal stroma tumor. Identifiers: Orphanet 44890, MedGen C0238198, MeSH D046152, MONDO:0011719, OMIM 606764, HP:0100723.
Pheochromocytoma. Also called: MAX-Related Hereditary Paraganglioma-Pheochromocytoma Syndrome. Identifiers: Orphanet 29072, MedGen C0031511, MONDO:0008233, OMIM 171300, HP:0002666.

Allele frequency attached by ClinVar (database versions not stated): TOPMed below 0.00001.

Submissions (3):

Myriad Genetics, Inc.
Classification: Likely benign for Pheochromocytoma/paraganglioma syndrome 4. Last evaluated: 2025-03-12. Review status: criteria provided, single submitter. Criteria: Myriad Autosomal Dominant, Autosomal Recessive and X-Linked Classification Criteria (2023). Collection method: clinical testing. Allele origin: unknown.
Comment: This variant is considered likely benign. This variant is intronic and is not expected to impact mRNA splicing.

Labcorp Genetics (formerly Invitae), Labcorp
Classification: Likely benign for Gastrointestinal stromal tumor; Pheochromocytoma/paraganglioma syndrome 4; Pheochromocytoma. Last evaluated: 2024-02-08. Review status: criteria provided, single submitter. Criteria: Invitae Variant Classification Sherloc (09022015). Collection method: clinical testing. Allele origin: germline.

All of Us Research Program, National Institutes of Health
Classification: Likely benign for Hereditary pheochromocytoma and paraganglioma. Last evaluated: 2023-12-13. Review status: criteria provided, single submitter. Criteria: ACMG Guidelines, 2015. Collection method: clinical testing. Allele origin: germline. Inheritance: Autosomal dominant inheritance. Observed: 1 variant allele, 1 heterozygote.
Comment: This study involves interpretation of variants in research participants for the purpose of population health screening. Participant phenotype was not available at the time of variant classification. Additional details can be found in publication PMID: 35346344, PMCID: PMC8962531

NM_003000.3(SDHB):c.73-7A>C

Gene: SDHB (succinate dehydrogenase complex iron sulfur subunit B; minus strand). Cytogenetic location: 1p36.13.
Variant type: single nucleotide variant.
Coding change: c.73-7A>C on transcript NM_003000.3 (MANE Select); 7 bases into the intron before coding-DNA position 73, A replaced by C.
Molecular consequence: intron variant.
Genome position (GRCh38, 1-based): chr1:17,044,895, T>G on the plus strand (A>C on the coding strand, the complement: SDHB is on the minus strand). VCF-style: chr1-17044895-T-G. GRCh37 (hg19) VCF-style: chr1-17371390-T-G.
Identifiers: ClinVar variation 856938 (VCV000856938.11), dbSNP rs770733541, ClinGen allele CA18610404.